The following is an entry in ClinVar:

NM_005996.4(TBX3):c.1168C>T (p.Pro390Ser)

Gene: TBX3 (T-box transcription factor 3; minus strand). Cytogenetic location: 12q24.21.
Variant type: single nucleotide variant.
Coding change: c.1168C>T on transcript NM_005996.4 (MANE Select); coding-DNA position 1168, C replaced by T.
Protein change: p.Pro390Ser; replaces proline 390 with serine.
Molecular consequence: missense variant.
Genome position (GRCh38, 1-based): chr12:114,674,707, G>A on the plus strand (C>T on the coding strand, the complement: TBX3 is on the minus strand). VCF-style: chr12-114674707-G-A. GRCh37 (hg19) VCF-style: chr12-115112512-G-A.
Other names: c.1228C>T, p.Pro410Ser (NM_016569.4); short protein forms P390S, P410S.
Identifiers: ClinVar variation 5000313 (VCV005000313.1).

ClinVar aggregate classification (germline): Uncertain significance (1 of 4 stars; one submission).

Conditions:
TBX3-related disorder. Also called: TBX3-related condition.

Submission:

PreventionGenetics, part of Exact Sciences
Classification: Uncertain significance for TBX3-related condition. Last evaluated: 2025-03-25. Review status: criteria provided, single submitter. Criteria: ACMG Guidelines, 2015. Collection method: clinical testing. Allele origin: germline.
Comment: The TBX3 c.1228C>T variant is predicted to result in the amino acid substitution p.Pro410Ser. To our knowledge, this variant has not been reported in the literature or in a large population database (gnomAD), indicating this variant is rare. At this time, the clinical significance of this variant is uncertain due to the absence of conclusive functional and genetic evidence.